The following is an entry in ClinVar:

NM_000179.3(MSH6):c.3966dup (p.Phe1323fs)

Gene: MSH6 (mutS homolog 6; plus strand). Cytogenetic location: 2p16.3.
Variant type: Duplication.
Coding change: c.3966dup on transcript NM_000179.3 (MANE Select); coding-DNA position 3966, one base duplicated (A; older notation c.3966dupA).
Protein change: p.Phe1323fs; shifts the reading frame from phenylalanine 1323.
Molecular consequence: frameshift variant.
Genome position (GRCh38, 1-based): chr2:47,806,616, A duplicated; the last of 2 consecutive A bases (chr2:47,806,615-47,806,616); duplicating either gives the same sequence. VCF-style (leftmost placement, unchanged base first): chr2-47806614-G-GA. GRCh37 (hg19) VCF-style: chr2-48033753-G-GA.
Other names: c.3966dup (NM_000179.2); c.3576dup, p.Phe1193fs (NM_001281492.2); c.3060dup, p.Phe1021fs (NM_001281493.2, NM_001281494.2); c.3966dupA (NM_000179.2); short protein forms F1021fs, F1193fs, F1323fs.
Identifiers: ClinVar variation 291306 (VCV000291306.13), dbSNP rs886044911, ClinGen allele CA10607096.

ClinVar aggregate classification (germline): Pathogenic/Likely pathogenic. Review status: criteria provided, multiple submitters, no conflicts (2 of 4 stars). 5 submissions from 5 submitters: Pathogenic (3); Likely pathogenic (1). 1 of the submissions does not count toward it. Last evaluated 2025-12-12.

Conditions:
Hereditary cancer-predisposing syndrome. Also called: Hereditary Cancer Syndrome; Neoplastic Syndromes, Hereditary; Tumor predisposition; Hereditary neoplastic syndrome. Identifiers: Orphanet 140162, MedGen C0027672, MeSH D009386, MONDO:0015356.
Lynch syndrome. Identifiers: Orphanet 144, MedGen C4552100, MONDO:0005835. Disease mechanism: loss of function.
Hereditary nonpolyposis colorectal carcinoma. Identifiers: MedGen C4024989, HP:0006716.
Mismatch repair cancer syndrome 1 (MMRCS1). Also called: MISMATCH REPAIR DEFICIENCY; MMR DEFICIENCY; BRAIN TUMOR-POLYPOSIS SYNDROME 1; BTP1 SYNDROME; CHILDHOOD CANCER SYNDROME. Identifiers: Orphanet 252202, MedGen C5399763, MONDO:0010159, OMIM 276300. Disease mechanism: loss of function.
Lynch syndrome 5 (LYNCH5). Also called: Hereditary non-polyposis colorectal cancer, type 5; Colorectal cancer, hereditary nonpolyposis, type 5. Identifiers: Orphanet 144, MedGen C1833477, MONDO:0013710, OMIM 614350. Disease mechanism: loss of function.
Hereditary nonpolyposis colorectal neoplasms. Identifiers: MedGen C0009405, MeSH D003123.
Endometrial carcinoma. Also called: Endometrial carcinoma, somatic. Identifiers: MedGen C0476089, MONDO:0002447, OMIM 608089, HP:0012114.

Submissions (5):

Ambry Genetics
Classification: Pathogenic for Hereditary cancer-predisposing syndrome. Last evaluated: 2025-12-12. Review status: criteria provided, single submitter. Criteria: Ambry Variant Classification Scheme 2023. Collection method: clinical testing. Allele origin: germline.
Comment: The c.3966dupA pathogenic mutation, located in coding exon 9 of the MSH6 gene, results from a duplication of A at nucleotide position 3966, causing a translational frameshift with a predicted alternate stop codon (p.F1323Ifs*2). This alteration occurs at the 3' terminus of theMSH6 gene, is not expected to trigger nonsense-mediated mRNA decay, and only impacts the last 38 amino acids of the protein. However, premature stop codons are typically deleterious in nature and the impacted region is critical for protein function (Ambry internal data). Another truncating alteration downstream, p.C1337Sfs*5 (c.4004_4007dupAAGT), has been observed in at least one individual with a personal and/or family history that is consistent with Lynch syndrome (Ambry internal data). This variant is considered to be rare based on population cohorts in the Genome Aggregation Database (gnomAD). Based on the supporting evidence, this alteration is interpreted as a disease-causing mutation.

Baylor Genetics
Classification: Likely pathogenic for Endometrial carcinoma. Last evaluated: 2024-02-26. Review status: criteria provided, single submitter. Criteria: ACMG Guidelines, 2015. Collection method: clinical testing. Allele origin: unknown.

Myriad Genetics, Inc.
Classification: Pathogenic for Lynch syndrome 5. Last evaluated: 2023-08-28. Review status: criteria provided, single submitter. Criteria: Myriad Autosomal Dominant, Autosomal Recessive and X-Linked Classification Criteria (2023). Collection method: clinical testing. Allele origin: unknown.
Comment: This variant is considered pathogenic. This variant creates a frameshift predicted to result in premature protein truncation.

Labcorp Genetics (formerly Invitae), Labcorp
Classification: Pathogenic for Hereditary nonpolyposis colorectal neoplasms. Last evaluated: 2022-04-20. Review status: criteria provided, single submitter. Criteria: Invitae Variant Classification Sherloc (09022015). Collection method: clinical testing. Allele origin: germline.
Comment: This sequence change creates a premature translational stop signal (p.Phe1323Ilefs*2) in the MSH6 gene. While this is not anticipated to result in nonsense mediated decay, it is expected to disrupt the last 38 amino acid(s) of the MSH6 protein. For these reasons, this variant has been classified as Pathogenic. This variant disrupts a region of the MSH6 protein in which other variant(s) (p.Leu1330Valfs*12) have been determined to be pathogenic (PMID: 14520694, 19851887, 24440087). This suggests that this is a clinically significant region of the protein, and that variants that disrupt it are likely to be disease-causing. ClinVar contains an entry for this variant (Variation ID: 291306). This variant has not been reported in the literature in individuals affected with MSH6-related conditions. This variant is not present in population databases (gnomAD no frequency).

Institute of Human Genetics, University of Wuerzburg
Classification: Pathogenic for Hereditary nonpolyposis colorectal carcinoma. Review status: no assertion criteria provided. Collection method: clinical testing. Allele origin: unknown. Not counted in ClinVar's aggregate classification.

Literature cited by the submitters: PubMed 14520694 (cited by Labcorp Genetics (formerly Invitae), Labcorp); PubMed 19851887 (cited by Labcorp Genetics (formerly Invitae), Labcorp); PubMed 24440087 (cited by Labcorp Genetics (formerly Invitae), Labcorp).